The following is an entry in ClinVar:

ClinVar aggregate classification (germline): Uncertain significance (1 of 4 stars; one submission).

Conditions:
Cardiovascular phenotype. Identifiers: MedGen CN230736.

Submission:

Ambry Genetics
Classification: Uncertain significance for Cardiovascular phenotype. Last evaluated: 2025-11-10. Review status: criteria provided, single submitter. Criteria: Ambry Variant Classification Scheme 2023. Collection method: clinical testing. Allele origin: germline.
Comment: The c.1075-3C>T intronic variant results from a C to T substitution 3 nucleotides upstream from coding exon 9 in the SOS1 gene. This nucleotide position is well conserved in available vertebrate species. In silico splice site analysis predicts that this alteration will not have any significant effect on splicing. Based on the available evidence, the clinical significance of this variant remains unclear.

NM_005633.4(SOS1):c.1075-3C>T

Gene: SOS1 (SOS Ras/Rac guanine nucleotide exchange factor 1; minus strand). Cytogenetic location: 2p22.1.
Variant type: single nucleotide variant.
Coding change: c.1075-3C>T on transcript NM_005633.4 (MANE Select); 3 bases into the intron before coding-DNA position 1075, C replaced by T.
Molecular consequence: intron variant.
Genome position (GRCh38, 1-based): chr2:39,024,140, G>A on the plus strand (C>T on the coding strand, the complement: SOS1 is on the minus strand). VCF-style: chr2-39024140-G-A. GRCh37 (hg19) VCF-style: chr2-39251281-G-A.
Other names: c.1054-3C>T (NM_001382394.1); c.1075-3C>T (NM_001382395.1).
Identifiers: ClinVar variation 4614979 (VCV004614979.1).